The following is an entry in ClinVar:

NM_002474.3(MYH11):c.4117-44C>T

Genes: NDE1 (nudE neurodevelopment protein 1; plus strand), MYH11 (myosin heavy chain 11; minus strand). Cytogenetic location: 16p13.11.
Variant type: single nucleotide variant.
Coding change: c.4117-44C>T on transcript NM_002474.3 (MANE Select); 44 bases into the intron before coding-DNA position 4117, C replaced by T.
Molecular consequence: intron variant. On other transcripts: 3 prime UTR variant (2).
Genome position (GRCh38, 1-based): chr16:15,724,453, G>A on the plus strand (C>T on the coding strand, the complement: MYH11 is on the minus strand). VCF-style: chr16-15724453-G-A. GRCh37 (hg19) VCF-style: chr16-15818310-G-A.
Other names: c.*202G>A (NM_001143979.2, NM_017668.3); c.4117-44C>T (NM_022844.3); c.4138-44C>T (NM_001040114.2, NM_001040113.2).
Identifiers: ClinVar variation 318115 (VCV000318115.20), dbSNP rs11130, ClinGen allele CA7921767.

ClinVar aggregate classification (germline): Benign. Review status: criteria provided, multiple submitters, no conflicts (2 of 4 stars). 8 submissions from 5 submitters: Benign (8). Last evaluated 2023-11-29.

Conditions:
Visceral myopathy 2. Identifiers: MedGen C5543466, MONDO:0859157, OMIM 619350.
Megacystis-microcolon-intestinal hypoperistalsis syndrome 2. Identifiers: MedGen C5543476, MONDO:0025708, OMIM 619351.
Aortic aneurysm, familial thoracic 4 (AAT4). Also called: AORTIC ANEURYSM/AORTIC DISSECTION AND PATENT DUCTUS ARTERIOSUS. Identifiers: MedGen C1851504, MONDO:0007568, OMIM 132900.
Lissencephaly 4 (LIS4). Also called: Lissencephaly 4 (with microcephaly). Identifiers: Orphanet 1083, MedGen C3151461, MONDO:0013527, OMIM 614019.

Allele frequency attached by ClinVar (database versions not stated): ESP Exome Variant Server 0.47000; gnomAD 0.47916 and 0.48623; TOPMed 0.48205; 1000 Genomes Project 30x 0.49859; 1000 Genomes Project 0.50499; ExAC 0.55020.
gnomAD v4.1: 849,171 of 1,610,702 alleles (53%); highest among the groups gnomAD compares: Middle Eastern, 66%; 227,534 homozygotes.

Submissions (8):

ARUP Laboratories, Molecular Genetics and Genomics, ARUP Laboratories
Classification: Benign. Last evaluated: 2023-11-29. Review status: criteria provided, single submitter. Criteria: ARUP Molecular Germline Variant Investigation Process 2024. Collection method: clinical testing. Allele origin: germline.

Genome-Nilou Lab
Classification: Benign for Aortic aneurysm, familial thoracic 4. Last evaluated: 2021-09-05. Review status: criteria provided, single submitter. Criteria: ACMG Guidelines, 2015. Collection method: clinical testing. Allele origin: germline. Affected: no.

Genome-Nilou Lab
Classification: Benign for Megacystis-microcolon-intestinal hypoperistalsis syndrome 2. Last evaluated: 2021-09-05. Review status: criteria provided, single submitter. Criteria: ACMG Guidelines, 2015. Collection method: clinical testing. Allele origin: germline. Affected: no.

Genome-Nilou Lab
Classification: Benign for Visceral myopathy 2. Last evaluated: 2021-09-05. Review status: criteria provided, single submitter. Criteria: ACMG Guidelines, 2015. Collection method: clinical testing. Allele origin: germline. Affected: no.

GeneDx
Classification: Benign. Last evaluated: 2018-06-14. Review status: criteria provided, single submitter. Criteria: GeneDx Variant Classification (06012015). Collection method: clinical testing. Allele origin: germline. Affected: yes.
Comment: This variant is considered likely benign or benign based on one or more of the following criteria: it is a conservative change, it occurs at a poorly conserved position in the protein, it is predicted to be benign by multiple in silico algorithms, and/or has population frequency not consistent with disease.

Illumina Laboratory Services, Illumina
Classification: Benign for Aortic aneurysm, familial thoracic 4. Last evaluated: 2018-01-12. Review status: criteria provided, single submitter. Criteria: ICSL Variant Classification Criteria 13 December 2019. Collection method: clinical testing. Allele origin: germline.
Comment: This variant was observed in the ICSL laboratory as part of a predisposition screen in an ostensibly healthy population. It had not been previously curated by ICSL or reported in the Human Gene Mutation Database (HGMD: prior to June 1st, 2018), and was therefore a candidate for classification through an automated scoring system. Utilizing variant allele frequency, disease prevalence and penetrance estimates, and inheritance mode, an automated score was calculated to assess if this variant is too frequent to cause the disease. Based on the score and internal cut-off values, a variant classified as benign is not then subjected to further curation. The score for this variant resulted in a classification of benign for this disease.

Illumina Laboratory Services, Illumina
Classification: Benign for Lissencephaly 4. Last evaluated: 2018-01-12. Review status: criteria provided, single submitter. Criteria: ICSL Variant Classification Criteria 13 December 2019. Collection method: clinical testing. Allele origin: germline.
Comment: the same text as in the submission from Illumina Laboratory Services, Illumina above.

Breakthrough Genomics
Classification: Benign. Review status: criteria provided, single submitter. Criteria: ACMG Guidelines, 2015. Collection method: not provided. Allele origin: germline. Inheritance: Autosomal recessive inheritance. Affected: yes.